The following is an entry in ClinVar:

NM_177438.3(DICER1):c.5657G>C (p.Gly1886Ala)

Gene: DICER1 (dicer 1, ribonuclease III; minus strand). Cytogenetic location: 14q32.13.
Variant type: single nucleotide variant.
Coding change: c.5657G>C on transcript NM_177438.3 (MANE Select); coding-DNA position 5657, G replaced by C.
Protein change: p.Gly1886Ala; replaces glycine 1886 with alanine.
Molecular consequence: missense variant. On other transcripts: 3 prime UTR variant (1), non-coding transcript variant (6).
Genome position (GRCh38, 1-based): chr14:95,090,610, C>G on the plus strand (G>C on the coding strand, the complement: DICER1 is on the minus strand). VCF-style: chr14-95090610-C-G. GRCh37 (hg19) VCF-style: chr14-95556947-C-G.
Other names: c.*4G>C (NM_001195573.1); c.5657G>C, p.Gly1886Ala (NM_001271282.3, NM_001291628.2, NM_001395677.1 and 8 more transcripts); c.5375G>C, p.Gly1792Ala (NM_001395686.1); c.5252G>C, p.Gly1751Ala (NM_001395687.1, NM_001395688.1, NM_001395689.1 and 1 more transcripts); c.5090G>C, p.Gly1697Ala (NM_001395691.1); c.3974G>C, p.Gly1325Ala (NM_001395697.1); short protein forms G1325A, G1751A, G1792A, G1697A, G1886A.
Identifiers: ClinVar variation 2823973 (VCV002823973.3), dbSNP rs2542391361, ClinGen allele CA390863437.

ClinVar aggregate classification (germline): Uncertain significance (1 of 4 stars; one submission).

Conditions:
DICER1-related tumor predisposition. Also called: DICER1-related pleuropulmonary blastoma cancer predisposition syndrome; DICER1 syndrome. Identifiers: Orphanet 284343, MedGen C3839822, MONDO:0100216.

Submission:

Labcorp Genetics (formerly Invitae), Labcorp
Classification: Uncertain significance for DICER1-related tumor predisposition. Last evaluated: 2022-12-25. Review status: criteria provided, single submitter. Criteria: Invitae Variant Classification Sherloc (09022015). Collection method: clinical testing. Allele origin: germline.
Comment: In summary, the available evidence is currently insufficient to determine the role of this variant in disease. Therefore, it has been classified as a Variant of Uncertain Significance. Algorithms developed to predict the effect of missense changes on protein structure and function are either unavailable or do not agree on the potential impact of this missense change (SIFT: "Tolerated"; PolyPhen-2: "Probably Damaging"; Align-GVGD: "Class C0"). This variant has not been reported in the literature in individuals affected with DICER1-related conditions. This variant is not present in population databases (gnomAD no frequency). This sequence change replaces glycine, which is neutral and non-polar, with alanine, which is neutral and non-polar, at codon 1886 of the DICER1 protein (p.Gly1886Ala).